The following is an entry in ClinVar:

ClinVar aggregate classification (germline): Uncertain significance (1 of 4 stars; one submission).

Submission:

Labcorp Genetics (formerly Invitae), Labcorp
Classification: Uncertain significance. Last evaluated: 2026-01-30. Review status: criteria provided, single submitter. Criteria: Invitae Variant Classification Sherloc (09022015). Collection method: clinical testing. Allele origin: germline.
Comment: This sequence change replaces glycine, which is neutral and non-polar, with serine, which is neutral and polar, at codon 695 of the TRPV6 protein (p.Gly695Ser). This variant is present in population databases (rs200385286, gnomAD 0.2%). This missense change has been observed in individual(s) with TRPV6-related conditions (PMID: 32383311). ClinVar contains an entry for this variant (Variation ID: 3608005). Experimental studies and prediction algorithms are not available or were not evaluated, and the functional significance of this variant is currently unknown. In summary, the available evidence is currently insufficient to determine the role of this variant in disease. Therefore, it has been classified as a Variant of Uncertain Significance.

Literature cited by the submitters: PubMed 32383311.

NM_018646.6(TRPV6):c.2083G>A (p.Gly695Ser)

Gene: TRPV6 (transient receptor potential cation channel subfamily V member 6; minus strand). Cytogenetic location: 7q34.
Variant type: single nucleotide variant.
Coding change: c.2083G>A on transcript NM_018646.6 (MANE Select); coding-DNA position 2083, G replaced by A.
Protein change: p.Gly695Ser; replaces glycine 695 with serine.
Molecular consequence: missense variant.
Genome position (GRCh38, 1-based): chr7:142,871,922, C>T on the plus strand (G>A on the coding strand, the complement: TRPV6 is on the minus strand). VCF-style: chr7-142871922-C-T. GRCh37 (hg19) VCF-style: chr7-142569675-C-T.
Other names: short protein forms G695S.
Identifiers: ClinVar variation 3608005 (VCV003608005.2).